The following is an entry in ClinVar:

ClinVar aggregate classification (germline): Uncertain significance (1 of 4 stars; one submission).

Submission:

GeneDx
Classification: Uncertain significance. Last evaluated: 2026-02-16. Review status: criteria provided, single submitter. Criteria: GeneDx Variant Classification Process June 2021. Collection method: clinical testing. Allele origin: germline.
Comment: Not observed at significant frequency in large population cohorts (gnomAD); In silico analysis supports that this missense variant has a deleterious effect on protein structure/function; Has not been previously published as pathogenic or benign to our knowledge

NM_001162501.2(TNRC6B):c.4799G>C (p.Arg1600Pro)

Gene: TNRC6B (trinucleotide repeat containing adaptor 6B; plus strand). Cytogenetic location: 22q13.1.
Variant type: single nucleotide variant.
Coding change: c.4799G>C on transcript NM_001162501.2 (MANE Select); coding-DNA position 4799, G replaced by C.
Protein change: p.Arg1600Pro; replaces arginine 1600 with proline.
Molecular consequence: missense variant.
Genome position (GRCh38, 1-based): chr22:40,315,403, G>C. VCF-style: chr22-40315403-G-C. GRCh37 (hg19) VCF-style: chr22-40711407-G-C.
Other names: c.2387G>C, p.Arg796Pro (NM_001024843.2); c.4469G>C, p.Arg1490Pro (NM_015088.3); short protein forms R1600P, R796P, R1490P.
Identifiers: ClinVar variation 5009630 (VCV005009630.1).